The following is an entry in ClinVar:

NM_004168.4(SDHA):c.1064+1G>A

Gene: SDHA (succinate dehydrogenase complex flavoprotein subunit A; plus strand). Cytogenetic location: 5p15.33.
Variant type: single nucleotide variant.
Coding change: c.1064+1G>A on transcript NM_004168.4 (MANE Select); the canonical splice donor site of the intron after coding-DNA position 1064, G replaced by A.
Molecular consequence: splice donor variant.
Genome position (GRCh38, 1-based): chr5:233,646, G>A. VCF-style: chr5-233646-G-A. GRCh37 (hg19) VCF-style: chr5-233761-G-A.
Other names: NM_004168.4:c.1064+1G>A; NC_000005.9:g.233761G>A; c.1064+1G>A (NM_001330758.2); c.920+1G>A (NM_001294332.2).
Identifiers: ClinVar variation 1525982 (VCV001525982.6), dbSNP rs1579402807, ClinGen allele CA359013037.

ClinVar aggregate classification (germline): Likely pathogenic. Review status: criteria provided, multiple submitters, no conflicts (2 of 4 stars). 2 submissions from 2 submitters: Likely pathogenic (2). Last evaluated 2026-03-19.

Conditions:
Pheochromocytoma/paraganglioma syndrome 5. Also called: Paragangliomas 5; SDHA-Related Hereditary Paraganglioma-Pheochromocytoma Syndrome. Identifiers: Orphanet 29072, MedGen C3279992, MONDO:0013602, OMIM 614165.
Mitochondrial complex II deficiency, nuclear type 1. Also called: SUCCINATE CoQ REDUCTASE DEFICIENCY. Identifiers: Orphanet 3208, MedGen C5700310, MONDO:0100294, OMIM 252011.

Submissions (4):

Myriad Genetics, Inc.
Classification: Likely pathogenic for Pheochromocytoma/paraganglioma syndrome 5. Last evaluated: 2026-03-19. Review status: criteria provided, single submitter. Criteria: Myriad Autosomal Dominant, Autosomal Recessive and X-Linked Classification Criteria (2023). Collection method: clinical testing. Allele origin: unknown.
Comment: This variant is considered likely pathogenic. This variant occurs within a consensus splice junction and is predicted to result in abnormal mRNA splicing of either an out-of-frame exon or an in-frame exon necessary for protein stability and/or normal function.

Labcorp Genetics (formerly Invitae), Labcorp
Classification: Likely pathogenic for Pheochromocytoma/paraganglioma syndrome 5; Mitochondrial complex II deficiency, nuclear type 1. Last evaluated: 2026-01-13. Review status: criteria provided, single submitter. Criteria: Invitae Variant Classification Sherloc (09022015). Collection method: clinical testing. Allele origin: germline.
Comment: This sequence change affects a donor splice site in intron 8 of the SDHA gene. It is expected to disrupt RNA splicing. Variants that disrupt the donor or acceptor splice site typically lead to a loss of protein function (PMID: 16199547), and loss-of-function variants in SDHA are known to be pathogenic (PMID: 22974104, 24781757). This variant is not present in population databases (gnomAD no frequency). This variant has not been reported in the literature in individuals affected with SDHA-related conditions. ClinVar contains an entry for this variant (Variation ID: 1525982). Algorithms developed to predict the effect of sequence changes on RNA splicing suggest that this variant may disrupt the consensus splice site. In summary, the currently available evidence indicates that the variant is pathogenic, but additional data are needed to prove that conclusively. Therefore, this variant has been classified as Likely Pathogenic.

Dr. Peter K. Rogan Lab, Western University
No classification provided (evidence only). Condition: Melanoma. Review status: no classification provided. Collection method: in vitro. Allele origin: not applicable. Functional consequence: retained intron. Not counted in ClinVar's aggregate classification.

MutSpliceDB: a database of splice sites variants effects on splicing, NIH
No classification provided (evidence only). Review status: no classification provided. Collection method: in vivo. Allele origin: not applicable. Functional consequence: retained intron. Not counted in ClinVar's aggregate classification.

Literature cited by the submitters: PubMed 16199547 (cited by Labcorp Genetics (formerly Invitae), Labcorp); PubMed 22974104 (cited by Labcorp Genetics (formerly Invitae), Labcorp); PubMed 24781757 (cited by Labcorp Genetics (formerly Invitae), Labcorp).